The following is an entry in ClinVar:

NM_000187.4(HGD):c.990G>T (p.Arg330Ser)

Gene: HGD (homogentisate 1,2-dioxygenase; minus strand). Cytogenetic location: 3q13.33.
Variant type: single nucleotide variant.
Coding change: c.990G>T on transcript NM_000187.4 (MANE Select); coding-DNA position 990, G replaced by T.
Protein change: p.Arg330Ser; replaces arginine 330 with serine.
Molecular consequence: missense variant.
Genome position (GRCh38, 1-based): chr3:120,638,471, C>A on the plus strand (G>T on the coding strand, the complement: HGD is on the minus strand). VCF-style: chr3-120638471-C-A. GRCh37 (hg19) VCF-style: chr3-120357318-C-A.
Other names: short protein forms R330S.
Identifiers: ClinVar variation 3167 (VCV000003167.7), dbSNP rs120074171, ClinGen allele CA277916.

ClinVar aggregate classification (germline): Conflicting classifications of pathogenicity. Review status: criteria provided, conflicting classifications (1 of 4 stars). 4 submissions from 4 submitters: Pathogenic (1); Uncertain significance (1). 2 of the submissions do not count toward it. Last evaluated 2022-07-27.

Conditions:
HGD-related disorders.
Alkaptonuria (AKU). Also called: HOMOGENTISIC ACID OXIDASE DEFICIENCY; Homogentisic acidura; Alcaptonuria; Alkaptonuric ochronosis. Identifiers: Orphanet 56, MedGen C0002066, MONDO:0008753, OMIM 203500.

Allele frequency attached by ClinVar (database versions not stated): ExAC 0.00002; gnomAD exomes 0.00002; gnomAD 0.00003; 1000 Genomes Project 30x 0.00016; 1000 Genomes Project 0.00020.
gnomAD v4.1: 14 of 1,613,772 alleles (0.00087%); highest among the groups gnomAD compares: Non-Finnish European, 0.000085%; no homozygotes.

Submissions (4):

Labcorp Genetics (formerly Invitae), Labcorp
Classification: Uncertain significance for Alkaptonuria. Last evaluated: 2022-07-27. Review status: criteria provided, single submitter. Criteria: Invitae Variant Classification Sherloc (09022015). Collection method: clinical testing. Allele origin: germline.
Comment: In summary, the available evidence is currently insufficient to determine the role of this variant in disease. Therefore, it has been classified as a Variant of Uncertain Significance. Algorithms developed to predict the effect of missense changes on protein structure and function are either unavailable or do not agree on the potential impact of this missense change (SIFT: "Deleterious"; PolyPhen-2: "Possibly Damaging"; Align-GVGD: "Class C0"). ClinVar contains an entry for this variant (Variation ID: 3167). This missense change has been observed in individual(s) with alkaptonuria (PMID: 10594001, 30737480, 31927521). This variant is present in population databases (rs120074171, gnomAD 0.03%). This sequence change replaces arginine, which is basic and polar, with serine, which is neutral and polar, at codon 330 of the HGD protein (p.Arg330Ser).

Blueprint Genetics
Classification: Pathogenic for HGD-related disorders. Last evaluated: 2021-02-19. Review status: criteria provided, single submitter. Criteria: ACMG Guidelines, 2015. Collection method: clinical testing. Allele origin: germline. Affected: yes. Observed: 1 variant allele.

OMIM
Classification: Pathogenic for ALKAPTONURIA. Last evaluated: 1999-12-01. Review status: no assertion criteria provided. Collection method: literature only. Allele origin: germline. Not counted in ClinVar's aggregate classification.

Department Of Human Genetics, Institute Of Clinical And Translational Research, Biomedical Research Center, Slovak Academy Of Sciences
Classification: Pathogenic for Alkaptonuria. Review status: no assertion criteria provided. Collection method: research. Allele origin: germline. Inheritance: Autosomal recessive inheritance. Affected: yes. Observed: 5 variant alleles. Not counted in ClinVar's aggregate classification.
Comment: The variant was originally described in AKU patient in PMID:10594001. It has been submitted to the HGD gene mutation database (DB-ID: AKU_00088).

Literature cited by the submitters: PubMed 10594001 (cited by 3 submitters); PubMed 30737480 (cited by Labcorp Genetics (formerly Invitae), Labcorp); PubMed 31927521 (cited by Labcorp Genetics (formerly Invitae), Labcorp).